The following is an entry in ClinVar:

NM_000718.4(CACNA1B):c.1203C>T (p.Ala401=)

Gene: CACNA1B (calcium voltage-gated channel subunit alpha1 B; plus strand). Cytogenetic location: 9q34.3.
Variant type: single nucleotide variant.
Coding change: c.1203C>T on transcript NM_000718.4 (MANE Select); coding-DNA position 1203, C replaced by T.
Protein change: p.Ala401=; no amino-acid change (alanine 401 retained).
Molecular consequence: synonymous variant.
Genome position (GRCh38, 1-based): chr9:137,956,787, C>T. VCF-style: chr9-137956787-C-T. GRCh37 (hg19) VCF-style: chr9-140851239-C-T.
Other names: c.1203C>T, p.Ala401= (NM_001243812.2).
Identifiers: ClinVar variation 2887759 (VCV002887759.18), dbSNP rs750745731, ClinGen allele CA5376079.

ClinVar aggregate classification (germline): Likely benign. Review status: criteria provided, multiple submitters, no conflicts (2 of 4 stars). 3 submissions from 3 submitters: Likely benign (3). Last evaluated 2024-11-07.

Allele frequency attached by ClinVar (database versions not stated): ExAC 0.00001; TOPMed 0.00003.
gnomAD v4.1: 81 of 1,613,730 alleles (0.005%); highest among the groups gnomAD compares: Non-Finnish European, 0.0061%; no homozygotes.

Submissions (3):

Labcorp Genetics (formerly Invitae), Labcorp
Classification: Likely benign. Last evaluated: 2024-11-07. Review status: criteria provided, single submitter. Criteria: Invitae Variant Classification Sherloc (09022015). Collection method: clinical testing. Allele origin: germline.

CeGaT Center for Human Genetics Tuebingen
Classification: Likely benign. Last evaluated: 2024-11-01. Review status: criteria provided, single submitter. Criteria: CeGaT Center For Human Genetics Tuebingen Variant Classification Criteria Version 2. Collection method: clinical testing. Allele origin: germline. Affected: yes. Observed: 1 variant allele.
Comment: CACNA1B: BP4, BP7

Blueprint Genetics
Classification: Likely benign. Last evaluated: 2021-11-26. Review status: criteria provided, single submitter. Criteria: ACMG Guidelines, 2015. Collection method: clinical testing. Allele origin: germline.